The following is an entry in ClinVar:

NM_203447.4(DOCK8):c.949C>T (p.Arg317Ter)

Gene: DOCK8 (dedicator of cytokinesis 8; plus strand). Cytogenetic location: 9p24.3.
Variant type: single nucleotide variant.
Coding change: c.949C>T on transcript NM_203447.4 (MANE Select); coding-DNA position 949, C replaced by T.
Protein change: p.Arg317Ter; replaces arginine 317 with a stop codon.
Molecular consequence: nonsense.
Genome position (GRCh38, 1-based): chr9:328,076, C>T. VCF-style: chr9-328076-C-T. GRCh37 (hg19) VCF-style: chr9-328076-C-T.
Other names: c.745C>T, p.Arg249Ter (NM_001190458.2, NM_001193536.2); short protein forms R249*, R317*.
Identifiers: ClinVar variation 279929 (VCV000279929.10), dbSNP rs113432057, ClinGen allele CA4957539.

ClinVar aggregate classification (germline): Pathogenic. Review status: criteria provided, multiple submitters, no conflicts (2 of 4 stars). 3 submissions from 3 submitters: Pathogenic (3). Last evaluated 2025-08-18.

Conditions:
Combined immunodeficiency due to DOCK8 deficiency (HIES2). Also called: HIES autosomal recessive; Hyper-IgE recurrent infection syndrome, autosomal recessive; HYPER-IgE RECURRENT INFECTION SYNDROME 2, AUTOSOMAL RECESSIVE; HYPER-IgE SYNDROME 2, AUTOSOMAL RECESSIVE, WITH RECURRENT INFECTIONS; DOCK8 Deficiency. Identifiers: Orphanet 217390, MedGen C4722305, MONDO:0009478, OMIM 243700.

Allele frequency attached by ClinVar (database versions not stated): gnomAD exomes below 0.00001; ExAC 0.00001; gnomAD 0.00001.
gnomAD v4.1: 7 of 1,614,028 alleles (0.00043%); highest among the groups gnomAD compares: African/African-American, 0.0053%; no homozygotes.

Submissions (3):

GeneDx
Classification: Pathogenic. Last evaluated: 2025-08-18. Review status: criteria provided, single submitter. Criteria: GeneDx Variant Classification Process June 2021. Collection method: clinical testing. Allele origin: germline. Affected: yes.
Comment: Nonsense variant predicted to result in protein truncation or nonsense mediated decay in a gene for which loss of function is a known mechanism of disease; This variant is associated with the following publications: (PMID: 25525159, 24797421, 35482138, 31980526, 32888943, 19776401)

Johns Hopkins Genomics, Johns Hopkins University
Classification: Pathogenic for Combined immunodeficiency due to DOCK8 deficiency. Last evaluated: 2022-08-04. Review status: criteria provided, single submitter. Criteria: ACMG Guidelines, 2015. Collection method: clinical testing. Allele origin: germline.

Labcorp Genetics (formerly Invitae), Labcorp
Classification: Pathogenic for Combined immunodeficiency due to DOCK8 deficiency. Last evaluated: 2022-05-30. Review status: criteria provided, single submitter. Criteria: Invitae Variant Classification Sherloc (09022015). Collection method: clinical testing. Allele origin: germline.
Comment: This sequence change creates a premature translational stop signal (p.Arg317*) in the DOCK8 gene. It is expected to result in an absent or disrupted protein product. Loss-of-function variants in DOCK8 are known to be pathogenic (PMID: 14722525, 19776401). The frequency data for this variant in the population databases is considered unreliable, as metrics indicate poor data quality at this position in the gnomAD database. This premature translational stop signal has been observed in individual(s) with DOCK8-related conditions (PMID: 19776401). ClinVar contains an entry for this variant (Variation ID: 279929). For these reasons, this variant has been classified as Pathogenic.

Literature cited by the submitters: PubMed 19776401 (cited by Johns Hopkins Genomics, Johns Hopkins University and Labcorp Genetics (formerly Invitae), Labcorp); PubMed 32888943 (cited by Johns Hopkins Genomics, Johns Hopkins University); PubMed 14722525 (cited by Labcorp Genetics (formerly Invitae), Labcorp).